The following is an entry in ClinVar:

ClinVar aggregate classification (germline): Uncertain significance. Review status: criteria provided, multiple submitters, no conflicts (2 of 4 stars). 2 submissions from 2 submitters: Uncertain significance (2). Last evaluated 2024-01-16.

Allele frequency attached by ClinVar (database versions not stated): gnomAD exomes 0.00004 and 0.00018; ExAC 0.00005; gnomAD 0.00007 and 0.00008; ESP Exome Variant Server 0.00008; TOPMed 0.00008.
gnomAD v4.1: 276 of 1,613,802 alleles (0.017%); highest among the groups gnomAD compares: Non-Finnish European, 0.022%; no homozygotes.

Submissions (2):

GeneDx
Classification: Uncertain significance. Last evaluated: 2024-01-16. Review status: criteria provided, single submitter. Criteria: GeneDx Variant Classification Process June 2021. Collection method: clinical testing. Allele origin: germline. Affected: yes.
Comment: In silico analysis supports that this missense variant has a deleterious effect on protein structure/function; Has not been previously published as pathogenic or benign to our knowledge

Labcorp Genetics (formerly Invitae), Labcorp
Classification: Uncertain significance. Last evaluated: 2022-06-27. Review status: criteria provided, single submitter. Criteria: Invitae Variant Classification Sherloc (09022015). Collection method: clinical testing. Allele origin: germline.
Comment: This sequence change replaces arginine, which is basic and polar, with serine, which is neutral and polar, at codon 127 of the TRAF3IP1 protein (p.Arg127Ser). This variant is present in population databases (rs201098281, gnomAD 0.009%). This variant has not been reported in the literature in individuals affected with TRAF3IP1-related conditions. Algorithms developed to predict the effect of missense changes on protein structure and function are either unavailable or do not agree on the potential impact of this missense change (SIFT: "Deleterious"; PolyPhen-2: "Possibly Damaging"; Align-GVGD: "Class C0"). In summary, the available evidence is currently insufficient to determine the role of this variant in disease. Therefore, it has been classified as a Variant of Uncertain Significance.

NM_015650.4(TRAF3IP1):c.381G>C (p.Arg127Ser)

Gene: TRAF3IP1 (TRAF3 interacting protein 1; plus strand). Cytogenetic location: 2q37.3.
Variant type: single nucleotide variant.
Coding change: c.381G>C on transcript NM_015650.4 (MANE Select); coding-DNA position 381, G replaced by C.
Protein change: p.Arg127Ser; replaces arginine 127 with serine.
Molecular consequence: missense variant.
Genome position (GRCh38, 1-based): chr2:238,328,712, G>C. VCF-style: chr2-238328712-G-C. GRCh37 (hg19) VCF-style: chr2-239237353-G-C.
Other names: c.381G>C, p.Arg127Ser (NM_001139490.1); c.381G>C (NM_015650.3); short protein forms R127S.
Identifiers: ClinVar variation 1409249 (VCV001409249.4), dbSNP rs201098281, ClinGen allele CA2198048.
Genomic context (GRCh38, chr2:238,328,712, plus strand): 5'-CTAACACCTCATTTCCTTCCATTTGGACGACAAGCTCTCTAGTGACGATGCGGTGCGGAG[G>C]GTTTTAGCTGGAGAGAAGGGAGAAGTGAAAGGCCGGGCCTCACTGACCTCAAGATCTCAG-3'
Protein context (NP_056465.2, residues 117-137): NKLSSDDAVR[Arg127Ser]VLAGEKGEVK